The following is an entry in ClinVar:

NM_001142800.2(EYS):c.1729del (p.His577fs)

Gene: EYS (EGF-like photoreceptor maintenance factor; minus strand). Cytogenetic location: 6q12.
Variant type: Deletion.
Coding change: c.1729del on transcript NM_001142800.2 (MANE Select); coding-DNA position 1729, one base deleted (C; older notation c.1729delC).
Protein change: p.His577fs; shifts the reading frame from histidine 577.
Molecular consequence: frameshift variant.
Genome position (GRCh38, 1-based): chr6:65,335,017, G deleted on the plus strand (C on the coding strand, the reverse complement: EYS is on the minus strand). VCF-style (leftmost placement, unchanged base first): chr6-65335016-TG-T. GRCh37 (hg19) VCF-style: chr6-66044909-TG-T.
Other names: c.1729del, p.His577fs (NM_001142801.2, NM_001292009.2, NM_198283.2); short protein forms H577fs.
Identifiers: ClinVar variation 4067680 (VCV004067680.2).

ClinVar aggregate classification (germline): Likely pathogenic (1 of 4 stars; one submission).

Conditions:
Retinitis pigmentosa 25 (RP25). Identifiers: Orphanet 791, MedGen C1864446, MONDO:0011272, OMIM 602772.

Submission:

Natera, Inc.
Classification: Likely pathogenic for Retinitis pigmentosa type 25. Last evaluated: 2025-03-17. Review status: criteria provided, single submitter. Criteria: Natera Variant Classification Schema (03/2026). Collection method: clinical testing. Allele origin: germline.
Comment: The c.1729del variant in EYS is a frameshift variant predicted to shift the reading frame beginning at codon 577 and leads to a stop codon 33 codons downstream. This variant is expected to result in nonsense mediated decay, truncation, or a dysfunctional protein product. This variant is rare in the general population with a frequency below the threshold expected for the associated phenotype(s). Given the available evidence, this variant is classified as Likely Pathogenic.